The following is an entry in ClinVar:

NM_001267550.2(TTN):c.106920G>A (p.Leu35640=)

Genes: TTN-AS1 (TTN antisense RNA 1; plus strand), TTN (titin; minus strand). Cytogenetic location: 2q31.2.
Variant type: single nucleotide variant.
Coding change: c.106920G>A on transcript NM_001267550.2 (MANE Select); coding-DNA position 106920, G replaced by A.
Protein change: p.Leu35640=; no amino-acid change (leucine 35640 retained).
Molecular consequence: synonymous variant.
Genome position (GRCh38, 1-based): chr2:178,528,831, C>T on the plus strand (G>A on the coding strand, the complement: TTN is on the minus strand). VCF-style: chr2-178528831-C-T. GRCh37 (hg19) VCF-style: chr2-179393558-C-T.
Other names: p.L33999L:CTG>CTA; c.101997G>A, p.Leu33999= (NM_001256850.1); c.79725G>A, p.Leu26575= (NM_003319.4); c.99216G>A, p.Leu33072= (NM_133378.4); c.80100G>A, p.Leu26700= (NM_133432.3); c.80301G>A, p.Leu26767= (NM_133437.4).
Identifiers: ClinVar variation 47716 (VCV000047716.75), dbSNP rs183923129, ClinGen allele CA284407.

ClinVar aggregate classification (germline): Conflicting classifications of pathogenicity. Review status: criteria provided, conflicting classifications (1 of 4 stars). 19 submissions from 15 submitters: Uncertain significance (3); Benign (4); Likely benign (9). 3 of the submissions do not count toward it. Last evaluated 2026-01-28.

Conditions:
Dilated cardiomyopathy 1G (CMD1G). Identifiers: Orphanet 154, MedGen C1858763, MONDO:0011400, OMIM 604145.
Autosomal recessive limb-girdle muscular dystrophy type 2J (LGMDR10). Also called: MUSCULAR DYSTROPHY, LIMB-GIRDLE, AUTOSOMAL RECESSIVE 10; Limb-girdle muscular dystrophy, type 2J. Identifiers: Orphanet 140922, MedGen C1837342, MONDO:0012127, OMIM 608807.
Cardiovascular phenotype. Identifiers: MedGen CN230736.
TTN-related disorder. Also called: TTN-related disorders; TTN-related condition; TTN-related disease.
Cardiomyopathy (CMYO). Also called: Cardiomyopathies. Identifiers: Orphanet 167848, MedGen C0878544, MONDO:0004994, HP:0001638. Inheritance: Various modes of inheritance.
Early-onset myopathy with fatal cardiomyopathy (CMYO5). Also called: CONGENITAL MYOPATHY 5 WITH CARDIOMYOPATHY; Salih Myopathy. Identifiers: Orphanet 289377, MedGen C2673677, MONDO:0012714, OMIM 611705. Disease mechanism: loss of function.
Myopathy, myofibrillar, 9, with early respiratory failure (MFM9). Also called: Myopathy, distal, with early respiratory failure, autosomal dominant; Hereditary myopathy with early respiratory failure; MYOPATHY, PROXIMAL, WITH EARLY RESPIRATORY MUSCLE INVOLVEMENT; EDSTROM MYOPATHY. Identifiers: Orphanet 178464, Orphanet 34521, MedGen C1863599, MONDO:0011362, OMIM 603689.
Tibial muscular dystrophy (TMD). Also called: Udd Distal Myopathy – Tibial Muscular Dystrophy; Tibial muscular dystrophy, tardive; UDD MYOPATHY. Identifiers: Orphanet 609, MedGen C1838244, MONDO:0010870, OMIM 600334.

Allele frequency attached by ClinVar (database versions not stated): gnomAD 0.00068 and 0.00065; gnomAD exomes 0.00097 and 0.00049; 1000 Genomes Project 30x 0.00031; TOPMed 0.00068; ESP Exome Variant Server 0.00064; 1000 Genomes Project 0.00040; ExAC 0.00059.
gnomAD v4.1: 1,506 of 1,613,946 alleles (0.093%); highest among the groups gnomAD compares: Non-Finnish European, 0.12%; no homozygotes.

Submissions (19):

Labcorp Genetics (formerly Invitae), Labcorp
Classification: Likely benign for Dilated cardiomyopathy 1G; Autosomal recessive limb-girdle muscular dystrophy type 2J. Last evaluated: 2026-01-28. Review status: criteria provided, single submitter. Criteria: Invitae Variant Classification Sherloc (09022015). Collection method: clinical testing. Allele origin: germline.

Molecular Diagnostic Laboratory for Inherited Cardiovascular Disease, Montreal Heart Institute
Classification: Likely benign. Last evaluated: 2025-04-09. Review status: criteria provided, single submitter. Criteria: ACMG Guidelines, 2015. Collection method: clinical testing. Allele origin: germline. Affected: no.

CeGaT Center for Human Genetics Tuebingen
Classification: Likely benign. Last evaluated: 2025-03-01. Review status: criteria provided, single submitter. Criteria: CeGaT Center For Human Genetics Tuebingen Variant Classification Criteria Version 2. Collection method: clinical testing. Allele origin: germline. Affected: yes. Observed: 6 variant alleles.
Comment: TTN: BP4, BP7

Laboratory of Genetics, Children's Clinical University Hospital Latvia
Classification: Likely benign. Last evaluated: 2025-02-16. Review status: criteria provided, single submitter. Criteria: ACMG Guidelines, 2015. Collection method: clinical testing. Allele origin: germline. Affected: yes.

Blueprint Genetics
Classification: Likely benign. Last evaluated: 2024-11-25. Review status: criteria provided, single submitter. Criteria: ACMG Guidelines, 2015. Collection method: clinical testing. Allele origin: germline.

CHEO Genetics Diagnostic Laboratory, Children's Hospital of Eastern Ontario
Classification: Likely benign for Cardiomyopathy. Last evaluated: 2023-05-16. Review status: criteria provided, single submitter. Criteria: ACMG Guidelines, 2015. Collection method: clinical testing. Allele origin: germline.

Women's Health and Genetics/Laboratory Corporation of America, LabCorp
Classification: Benign. Last evaluated: 2021-03-10. Review status: criteria provided, single submitter. Criteria: LabCorp Variant Classification Summary - May 2015. Collection method: clinical testing. Allele origin: germline.

Illumina Laboratory Services, Illumina
Classification: Uncertain significance for Dilated cardiomyopathy 1G. Last evaluated: 2018-01-12. Review status: criteria provided, single submitter. Criteria: ICSL Variant Classification Criteria 13 December 2019. Collection method: clinical testing. Allele origin: germline.

Illumina Laboratory Services, Illumina
Classification: Benign for Myopathy, myofibrillar, 9, with early respiratory failure. Last evaluated: 2018-01-12. Review status: criteria provided, single submitter. Criteria: ICSL Variant Classification Criteria 13 December 2019. Collection method: clinical testing. Allele origin: germline.
Comment: This variant was observed in the ICSL laboratory as part of a predisposition screen in an ostensibly healthy population. It had not been previously curated by ICSL or reported in the Human Gene Mutation Database (HGMD: prior to June 1st, 2018), and was therefore a candidate for classification through an automated scoring system. Utilizing variant allele frequency, disease prevalence and penetrance estimates, and inheritance mode, an automated score was calculated to assess if this variant is too frequent to cause the disease. Based on the score and internal cut-off values, a variant classified as benign is not then subjected to further curation. The score for this variant resulted in a classification of benign for this disease.

Illumina Laboratory Services, Illumina
Classification: Uncertain significance for Autosomal recessive limb-girdle muscular dystrophy type 2J. Last evaluated: 2018-01-12. Review status: criteria provided, single submitter. Criteria: ICSL Variant Classification Criteria 13 December 2019. Collection method: clinical testing. Allele origin: germline.

Illumina Laboratory Services, Illumina
Classification: Uncertain significance for Early-onset myopathy with fatal cardiomyopathy. Last evaluated: 2018-01-12. Review status: criteria provided, single submitter. Criteria: ICSL Variant Classification Criteria 13 December 2019. Collection method: clinical testing. Allele origin: germline.

Illumina Laboratory Services, Illumina
Classification: Benign for Tibial muscular dystrophy. Last evaluated: 2018-01-12. Review status: criteria provided, single submitter. Criteria: ICSL Variant Classification Criteria 13 December 2019. Collection method: clinical testing. Allele origin: germline.
Comment: the same text as in the submission from Illumina Laboratory Services, Illumina above.

Eurofins Ntd Llc (ga)
Classification: Likely benign. Last evaluated: 2017-01-05. Review status: criteria provided, single submitter. Criteria: EGL Classification Definitions 2015. Collection method: clinical testing. Allele origin: germline. Observed: 13 variant alleles, 13 heterozygotes.

Ambry Genetics
Classification: Likely benign for Cardiovascular phenotype. Last evaluated: 2015-11-03. Review status: criteria provided, single submitter. Criteria: Ambry Variant Classification Scheme 2023. Collection method: clinical testing. Allele origin: germline.

Laboratory for Molecular Medicine, Mass General Brigham Personalized Medicine
Classification: Likely benign. Last evaluated: 2015-05-28. Review status: criteria provided, single submitter. Criteria: LMM Criteria. Collection method: clinical testing. Allele origin: germline. Observed: 4 variant alleles.
Comment: p.Leu33072Leu in exon 309 of TTN: This variant is not expected to have clinical significance because it does not alter an amino acid residue and is not located within the splice consensus sequence. It has been identified in 62/66370 Europea n chromosomes by the Exome Aggregation Consortium (ExAC; dbSNP rs183923129).

GeneDx
Classification: Benign. Last evaluated: 2014-11-05. Review status: criteria provided, single submitter. Criteria: GeneDx Variant Classification (06012015). Collection method: clinical testing. Allele origin: germline. Affected: yes.
Comment: This variant is considered likely benign or benign based on one or more of the following criteria: it is a conservative change, it occurs at a poorly conserved position in the protein, it is predicted to be benign by multiple in silico algorithms, and/or has population frequency not consistent with disease.

PreventionGenetics, part of Exact Sciences
Classification: Likely benign for TTN-related condition. Last evaluated: 2023-12-11. Review status: no assertion criteria provided. Collection method: clinical testing. Allele origin: germline. Not counted in ClinVar's aggregate classification.
Comment: This variant is classified as likely benign based on ACMG/AMP sequence variant interpretation guidelines (Richards et al. 2015 PMID: 25741868, with internal and published modifications).

Clinical Genetics, Academic Medical Center
Classification: Benign. Review status: no assertion criteria provided. Collection method: clinical testing. Allele origin: germline. Affected: yes. Study: VKGL Data-share Consensus. Not counted in ClinVar's aggregate classification.

Joint Genome Diagnostic Labs from Nijmegen and Maastricht, Radboudumc and MUMC+
Classification: Likely benign. Review status: no assertion criteria provided. Collection method: clinical testing. Allele origin: germline. Affected: yes. Study: VKGL Data-share Consensus. Not counted in ClinVar's aggregate classification.